The following is an entry in ClinVar:

ClinVar aggregate classification (germline): Uncertain significance (1 of 4 stars; one submission).

Submission:

Labcorp Genetics (formerly Invitae), Labcorp
Classification: Uncertain significance. Last evaluated: 2022-08-20. Review status: criteria provided, single submitter. Criteria: Invitae Variant Classification Sherloc (09022015). Collection method: clinical testing. Allele origin: germline.
Comment: In summary, the available evidence is currently insufficient to determine the role of this variant in disease. Therefore, it has been classified as a Variant of Uncertain Significance. Variants that disrupt the consensus splice site are a relatively common cause of aberrant splicing (PMID: 17576681, 9536098). Algorithms developed to predict the effect of sequence changes on RNA splicing suggest that this variant may disrupt the consensus splice site. This sequence change falls in intron 6 of the C8B gene. It does not directly change the encoded amino acid sequence of the C8B protein. It affects a nucleotide within the consensus splice site. This variant is present in population databases (no rsID available, gnomAD 0.0009%). This variant has not been reported in the literature in individuals affected with C8B-related conditions.

Literature cited by the submitters: PubMed 17576681; PubMed 9536098.

NM_000066.4(C8B):c.864+5G>A

Gene: C8B (complement C8 beta chain; minus strand). Cytogenetic location: 1p32.2.
Variant type: single nucleotide variant.
Coding change: c.864+5G>A on transcript NM_000066.4 (MANE Select); 5 bases into the intron after coding-DNA position 864, G replaced by A.
Molecular consequence: intron variant.
Genome position (GRCh38, 1-based): chr1:56,949,550, C>T on the plus strand (G>A on the coding strand, the complement: C8B is on the minus strand). VCF-style: chr1-56949550-C-T. GRCh37 (hg19) VCF-style: chr1-57415223-C-T.
Other names: c.708+5G>A (NM_001278543.2); c.678+5G>A (NM_001278544.2).
Identifiers: ClinVar variation 2128980 (VCV002128980.4), dbSNP rs968587292, ClinGen allele CA523276069.